The following is an entry in ClinVar:

ClinVar aggregate classification (germline): Likely benign (1 of 4 stars; one submission).

gnomAD v4.1: 4 of 1,209,744 alleles (0.00033%); highest among the groups gnomAD compares: East Asian, 0.0059%; no homozygotes.

Submission:

CeGaT Center for Human Genetics Tuebingen
Classification: Likely benign. Last evaluated: 2025-01-01. Review status: criteria provided, single submitter. Criteria: CeGaT Center For Human Genetics Tuebingen Variant Classification Criteria Version 2. Collection method: clinical testing. Allele origin: germline. Affected: yes. Observed: 1 variant allele.
Comment: BCORL1: BP4, BP7

NM_001379451.1(BCORL1):c.1794C>T (p.Phe598=)

Gene: BCORL1 (BCL6 corepressor like 1; plus strand). Cytogenetic location: Xq26.1.
Variant type: single nucleotide variant.
Coding change: c.1794C>T on transcript NM_001379451.1 (MANE Select); coding-DNA position 1794, C replaced by T.
Protein change: p.Phe598=; no amino-acid change (phenylalanine 598 retained).
Molecular consequence: synonymous variant.
Genome position (GRCh38, 1-based): chrX:130,014,566, C>T. VCF-style: chrX-130014566-C-T. GRCh37 (hg19) VCF-style: chrX-129148542-C-T.
Other names: c.1794C>T, p.Phe598= (NM_001184772.3, NM_001379450.1, NM_021946.5).
Identifiers: ClinVar variation 3771552 (VCV003771552.13).